The following is an entry in ClinVar:

ClinVar aggregate classification (germline): Uncertain significance. Review status: criteria provided, multiple submitters, no conflicts (2 of 4 stars). 5 submissions from 5 submitters: Uncertain significance (4). 1 of the submissions does not count toward it. Last evaluated 2023-10-20.

Conditions:
Methylmalonic acidemia (MMA). Also called: Isolated Methylmalonic Acidemia. Identifiers: MedGen C0268583, MeSH C537358, MONDO:0002012, HP:0002912.
Inborn genetic diseases. Identifiers: MedGen C0950123, MeSH D030342.
Combined malonic and methylmalonic acidemia. Identifiers: Orphanet 289504, MedGen C3280314, MONDO:0013661, OMIM 614265.

Allele frequency attached by ClinVar (database versions not stated): ExAC 0.00001; gnomAD exomes 0.00001 and 0.00002; gnomAD 0.00004; TOPMed 0.00005; ESP Exome Variant Server 0.00015.
gnomAD v4.1: 20 of 1,612,106 alleles (0.0012%); highest among the groups gnomAD compares: African/African-American, 0.008%; no homozygotes.

Submissions (5):

Ambry Genetics
Classification: Uncertain significance for Inborn genetic diseases. Last evaluated: 2023-10-20. Review status: criteria provided, single submitter. Criteria: Ambry Variant Classification Scheme 2023. Collection method: clinical testing. Allele origin: germline.

GeneDx
Classification: Uncertain significance. Last evaluated: 2022-10-28. Review status: criteria provided, single submitter. Criteria: GeneDx Variant Classification Process June 2021. Collection method: clinical testing. Allele origin: germline. Affected: yes.
Comment: Not observed at significant frequency in large population cohorts (gnomAD); In silico analysis supports that this missense variant does not alter protein structure/function

Fulgent Genetics
Classification: Uncertain significance for Combined malonic and methylmalonic acidemia. Last evaluated: 2022-03-02. Review status: criteria provided, single submitter. Criteria: ACMG Guidelines, 2015. Collection method: clinical testing. Allele origin: unknown.

Labcorp Genetics (formerly Invitae), Labcorp
Classification: Uncertain significance for Combined malonic and methylmalonic acidemia. Last evaluated: 2021-09-17. Review status: criteria provided, single submitter. Criteria: Invitae Variant Classification Sherloc (09022015). Collection method: clinical testing. Allele origin: germline.
Comment: This sequence change replaces arginine with histidine at codon 39 of the ACSF3 protein (p.Arg39His). The arginine residue is weakly conserved and there is a small physicochemical difference between arginine and histidine. This variant is present in population databases (rs144711526, ExAC 0.002%). This variant has not been reported in the literature in individuals with ACSF3-related conditions. Algorithms developed to predict the effect of missense changes on protein structure and function output the following: SIFT: "Tolerated"; PolyPhen-2: "Benign"; Align-GVGD: "Class C0". The histidine amino acid residue is found in multiple mammalian species, suggesting that this missense change does not adversely affect protein function. These predictions have not been confirmed by published functional studies and their clinical significance is uncertain. In summary, the available evidence is currently insufficient to determine the role of this variant in disease. Therefore, it has been classified as a Variant of Uncertain Significance.

Natera, Inc.
Classification: Uncertain significance for Methylmalonic acidemia. Last evaluated: 2020-10-13. Review status: no assertion criteria provided. Collection method: clinical testing. Allele origin: germline. Not counted in ClinVar's aggregate classification.

NM_001243279.3(ACSF3):c.116G>A (p.Arg39His)

Gene: ACSF3 (acyl-CoA synthetase family member 3; plus strand). Cytogenetic location: 16q24.3.
Variant type: single nucleotide variant.
Coding change: c.116G>A on transcript NM_001243279.3 (MANE Select); coding-DNA position 116, G replaced by A.
Protein change: p.Arg39His; replaces arginine 39 with histidine.
Molecular consequence: missense variant. On other transcripts: non-coding transcript variant (3), intron variant (1).
Genome position (GRCh38, 1-based): chr16:89,100,797, G>A. VCF-style: chr16-89100797-G-A. GRCh37 (hg19) VCF-style: chr16-89167205-G-A.
Other names: c.116G>A, p.Arg39His (NM_001127214.4, NM_174917.5); c.-129-1807G>A (NM_001284316.2); c.116G>A (NM_174917.3); short protein forms R39H.
Identifiers: ClinVar variation 990414 (VCV000990414.8), dbSNP rs144711526, ClinGen allele CA8237547.